The following is an entry in ClinVar:

ClinVar aggregate classification (germline): Uncertain significance (1 of 4 stars; one submission).

Conditions:
Neuronopathy, distal hereditary motor, autosomal recessive 4. Also called: NEUROPATHY, DISTAL HEREDITARY MOTOR, AUTOSOMAL RECESSIVE 4; Autosomal recessive lower motor neuron disease with childhood onset. Identifiers: Orphanet 206580, MedGen C1970211, MONDO:0012608, OMIM 611067.
Charcot-Marie-Tooth disease recessive intermediate C. Also called: CHARCOT-MARIE-TOOTH NEUROPATHY, RECESSIVE INTERMEDIATE C. Identifiers: Orphanet 369867, MedGen C3809309, MONDO:0014154, OMIM 615376.

Allele frequency attached by ClinVar (database versions not stated): TOPMed below 0.00001.

Submission:

Labcorp Genetics (formerly Invitae), Labcorp
Classification: Uncertain significance for Neuronopathy, distal hereditary motor, autosomal recessive 4; Charcot-Marie-Tooth disease recessive intermediate C. Last evaluated: 2025-07-28. Review status: criteria provided, single submitter. Criteria: Invitae Variant Classification Sherloc (09022015). Collection method: clinical testing. Allele origin: germline.
Comment: This sequence change replaces proline, which is neutral and non-polar, with serine, which is neutral and polar, at codon 388 of the PLEKHG5 protein (p.Pro388Ser). This variant is not present in population databases (gnomAD no frequency). This variant has not been reported in the literature in individuals affected with PLEKHG5-related conditions. ClinVar contains an entry for this variant (Variation ID: 1043652). An algorithm developed to predict the effect of missense changes on protein structure and function (PolyPhen-2) suggests that this variant is likely to be tolerated. In summary, the available evidence is currently insufficient to determine the role of this variant in disease. Therefore, it has been classified as a Variant of Uncertain Significance.

NM_020631.6(PLEKHG5):c.1162C>T (p.Pro388Ser)

Gene: PLEKHG5 (pleckstrin homology and RhoGEF domain containing G5; minus strand). Cytogenetic location: 1p36.31.
Variant type: single nucleotide variant.
Coding change: c.1162C>T on transcript NM_020631.6 (MANE Select); coding-DNA position 1162, C replaced by T.
Protein change: p.Pro388Ser; replaces proline 388 with serine.
Molecular consequence: missense variant.
Genome position (GRCh38, 1-based): chr1:6,471,607, G>A on the plus strand (C>T on the coding strand, the complement: PLEKHG5 is on the minus strand). VCF-style: chr1-6471607-G-A. GRCh37 (hg19) VCF-style: chr1-6531667-G-A.
Other names: c.1273C>T, p.Pro425Ser (NM_001042663.3, NM_001265592.2); c.1162C>T, p.Pro388Ser (NM_001042664.2, NM_001042665.2, NM_001265594.3 and 1 more transcripts); c.1369C>T, p.Pro457Ser (NM_001265593.2); short protein forms P388S, P425S, P457S.
Identifiers: ClinVar variation 1043652 (VCV001043652.5), dbSNP rs1644590851, ClinGen allele CA338130108.